The following is an entry in ClinVar:

ClinVar aggregate classification (germline): Uncertain significance. Review status: criteria provided, multiple submitters, no conflicts (2 of 4 stars). 2 submissions from 2 submitters: Uncertain significance (2). Last evaluated 2025-05-27.

Conditions:
Inborn genetic diseases. Identifiers: MedGen C0950123, MeSH D030342.

Allele frequency attached by ClinVar (database versions not stated): gnomAD 0.00001 and 0.00002; TOPMed 0.00001; gnomAD exomes 0.00002 and 0.00003; ExAC 0.00012; 1000 Genomes Project 30x 0.00016; 1000 Genomes Project 0.00020.
gnomAD v4.1: 26 of 1,571,076 alleles (0.0017%); highest among the groups gnomAD compares: South Asian, 0.024%; no homozygotes.

Submissions (2):

Labcorp Genetics (formerly Invitae), Labcorp
Classification: Uncertain significance. Last evaluated: 2025-05-27. Review status: criteria provided, single submitter. Criteria: Invitae Variant Classification Sherloc (09022015). Collection method: clinical testing. Allele origin: germline.
Comment: This sequence change replaces glycine, which is neutral and non-polar, with arginine, which is basic and polar, at codon 56 of the ADAMTS18 protein (p.Gly56Arg). The frequency data for this variant in the population databases is considered unreliable, as metrics indicate poor data quality at this position in the gnomAD database. This variant has not been reported in the literature in individuals affected with ADAMTS18-related conditions. ClinVar contains an entry for this variant (Variation ID: 1053122). An algorithm developed to predict the effect of missense changes on protein structure and function (PolyPhen-2) suggests that this variant is likely to be disruptive. In summary, the available evidence is currently insufficient to determine the role of this variant in disease. Therefore, it has been classified as a Variant of Uncertain Significance.

Ambry Genetics
Classification: Uncertain significance for Inborn genetic diseases. Last evaluated: 2025-03-15. Review status: criteria provided, single submitter. Criteria: Ambry Variant Classification Scheme 2023. Collection method: clinical testing. Allele origin: germline.

NM_199355.4(ADAMTS18):c.166G>A (p.Gly56Arg)

Gene: ADAMTS18 (ADAM metallopeptidase with thrombospondin type 1 motif 18; minus strand). Cytogenetic location: 16q23.1.
Variant type: single nucleotide variant.
Coding change: c.166G>A on transcript NM_199355.4 (MANE Select); coding-DNA position 166, G replaced by A.
Protein change: p.Gly56Arg; replaces glycine 56 with arginine.
Molecular consequence: missense variant. On other transcripts: 5 prime UTR variant (1).
Genome position (GRCh38, 1-based): chr16:77,434,430, C>T on the plus strand (G>A on the coding strand, the complement: ADAMTS18 is on the minus strand). VCF-style: chr16-77434430-C-T. GRCh37 (hg19) VCF-style: chr16-77468327-C-T.
Other names: c.-355G>A (NM_001326358.2); c.166G>A (NM_199355.2); short protein forms G56R.
Identifiers: ClinVar variation 1053122 (VCV001053122.11), dbSNP rs201304352, ClinGen allele CA8181776.
Genomic context (GRCh38, chr16:77,434,430, plus strand): 5'-CAAAGTGCTGCGAAAGGCCCTTCTTGGGGATGGGGGGCAAATACGAACCATCATTTAATC[C>T]GCTGGCGCCGCTGCTGCTGTCACTGGCTAAGGCCGCGGCGACCGACGCACAGCAGAGGCA-3'
Protein context (NP_955387.1, residues 46-66): LASDSSSGAS[Gly56Arg]LNDDYVFVTP